The following is an entry in ClinVar:

ClinVar aggregate classification (germline): Uncertain significance. Review status: criteria provided, multiple submitters, no conflicts (2 of 4 stars). 3 submissions from 3 submitters: Uncertain significance (3). Last evaluated 2025-03-27.

Conditions:
SLC26A1-related disorder. Also called: SLC26A1-related condition.
Hypersulfaturia (HYSULF). Identifiers: MedGen C5830511, MONDO:0957268, OMIM 620372.
Nephrolithiasis susceptibility caused by SLC26A1 (CAON1). Also called: NEPHROLITHIASIS, CALCIUM OXALATE, 1. Identifiers: MedGen C5779632, MONDO:0020722, OMIM 167030.
Inborn genetic diseases. Identifiers: MedGen C0950123, MeSH D030342.

gnomAD v4.1: 57 of 1,571,452 alleles (0.0036%); highest among the groups gnomAD compares: South Asian, 0.0058%; no homozygotes.

Submissions (3):

Ambry Genetics
Classification: Uncertain significance for Inborn genetic diseases. Last evaluated: 2025-03-27. Review status: criteria provided, single submitter. Criteria: Ambry Variant Classification Scheme 2023. Collection method: clinical testing. Allele origin: germline.

PreventionGenetics, part of Exact Sciences
Classification: Uncertain significance for SLC26A1-related condition. Last evaluated: 2024-12-04. Review status: criteria provided, single submitter. Criteria: ACMG Guidelines, 2015. Collection method: clinical testing. Allele origin: germline.
Comment: The SLC26A1 c.1264G>A variant is predicted to result in the amino acid substitution p.Val422Met. To our knowledge, this variant has not been reported in the literature. This variant is reported in 0.0083% of alleles in individuals of South Asian descent in gnomAD. At this time, the clinical significance of this variant is uncertain due to the absence of conclusive functional and genetic evidence.

Fulgent Genetics
Classification: Uncertain significance for Nephrolithiasis susceptibility caused by SLC26A1; Hypersulfaturia. Last evaluated: 2023-12-26. Review status: criteria provided, single submitter. Criteria: ACMG Guidelines, 2015. Collection method: clinical testing. Allele origin: germline.

NM_022042.4(SLC26A1):c.1264G>A (p.Val422Met)

Genes: IDUA (alpha-L-iduronidase; plus strand), SLC26A1 (solute carrier family 26 member 1; minus strand). Cytogenetic location: 4p16.3.
Variant type: single nucleotide variant.
Coding change: c.1264G>A on transcript NM_022042.4 (MANE Select); coding-DNA position 1264, G replaced by A.
Protein change: p.Val422Met; replaces valine 422 with methionine.
Molecular consequence: missense variant. On other transcripts: intron variant (2).
Genome position (GRCh38, 1-based): chr4:989,675, C>T on the plus strand (G>A on the coding strand, the complement: SLC26A1 is on the minus strand). VCF-style: chr4-989675-C-T. GRCh37 (hg19) VCF-style: chr4-983463-C-T.
Other names: c.1264G>A (NM_022042.3, NM_213613.2); c.1264G>A, p.Val422Met (NM_213613.4); c.576+1453G>A (NM_134425.4); c.299+1726C>T (NM_000203.5); short protein forms V422M.
Identifiers: ClinVar variation 3591497 (VCV003591497.3).
Genomic context (GRCh38, chr4:989,675, plus strand): 5'-GCACGCTTCGCTGTAGGTCGTGGAACAGCGGTGCCAGCGCCAGCAGCACCAGCAGCACCA[C>T]GGTGGCGCTGACCACGCTGGACAGCTGTGTCCGGCAGCCAGTGGCTGTCTTCACCAGGCT-3'
Protein context (NP_071325.2, residues 412-432): TQLSSVVSAT[Val422Met]VLLVLLALAP